The following is an entry in ClinVar:

NM_000169.3(GLA):c.26del (p.His9fs)

Genes: GLA (galactosidase alpha; minus strand), RPL36A-HNRNPH2 (RPL36A-HNRNPH2 readthrough; plus strand). Cytogenetic location: Xq22.1.
Variant type: Deletion.
Coding change: c.26del on transcript NM_000169.3 (MANE Select); coding-DNA position 26, one base deleted (A; older notation c.26delA).
Protein change: p.His9fs; shifts the reading frame from histidine 9.
Molecular consequence: frameshift variant. On other transcripts: non-coding transcript variant (3), intron variant (2).
Genome position (GRCh38, 1-based): chrX:101,407,878, T deleted on the plus strand (A on the coding strand, the reverse complement: GLA is on the minus strand). VCF-style (leftmost placement, unchanged base first): chrX-101407877-AT-A. GRCh37 (hg19) VCF-style: chrX-100662865-AT-A.
Other names: c.26del, p.His9fs (NM_001406747.1, NM_001406748.1, NM_001406749.1); c.301-4058del (NM_001199973.2); c.178-4058del (NM_001199974.2); short protein forms H9fs.
Identifiers: ClinVar variation 523927 (VCV000523927.13), dbSNP rs1555987215, ClinGen allele CA658799820.

ClinVar aggregate classification (germline): Pathogenic. Review status: criteria provided, multiple submitters, no conflicts (2 of 4 stars). 5 submissions from 5 submitters: Pathogenic (5). Last evaluated 2026-09-08.

Conditions:
Fabry disease. Also called: Fabry's disease; Ceramide trihexosidosis; Angiokeratoma corporis diffusum; ALPHA-GALACTOSIDASE A DEFICIENCY; ANDERSON-FABRY DISEASE; CERAMIDE TRIHEXOSIDASE DEFICIENCY. Identifiers: Orphanet 324, MedGen C0002986, MONDO:0010526, OMIM 301500, HP:0001071. Disease mechanism: Fabry disease is due to inactivating mutations in the X-linked GLA gene resulting in deficiency of the enzyme Alpha Galactosidase-A., loss of function.

Submissions (5):

Genomenon, Inc
Classification: Pathogenic for Fabry disease. Last evaluated: 2026-09-08. Review status: criteria provided, single submitter. Criteria: Genomenon Sequence Variant Interpretation Standards - Updated. Collection method: curation. Allele origin: germline. Affected: yes.
Comment: GLA p.His9LeufsTer112 (c.26del) is a frameshift variant that is predicted to introduce a premature termination codon and result in a truncated or absent protein product. This variant has been observed in at least one proband with clinical features consistent with Fabry disease (PMID:10916280;16148726;17224688;26018987). It is absent or not present at a significant frequency in gnomAD. In conclusion, we classify GLA p.His9LeufsTer112 (c.26del) as a pathogenic variant.

Genome-Nilou Lab
Classification: Pathogenic for Fabry disease. Last evaluated: 2021-07-15. Review status: criteria provided, single submitter. Criteria: ACMG Guidelines, 2015. Collection method: clinical testing. Allele origin: germline. Affected: no.

Women's Health and Genetics/Laboratory Corporation of America, LabCorp
Classification: Pathogenic for Fabry disease. Last evaluated: 2021-02-23. Review status: criteria provided, single submitter. Criteria: LabCorp Variant Classification Summary - May 2015. Collection method: clinical testing. Allele origin: germline.
Comment: Variant summary: GLA c.26delA (p.His9LeufsX112) results in a premature termination codon, predicted to cause a truncation of the encoded protein or absence of the protein due to nonsense mediated decay, which are commonly known mechanisms for disease. Truncations downstream of this position have been classified as pathogenic by our laboratory. The variant was absent in 183413 control chromosomes. c.26delA has been reported in the literature in individuals affected with Fabry Disease (Eng_2001, Rosenberg_2000, Wang_2007, Gupta_2005). These data indicate that the variant is likely to be associated with disease. Two clinical diagnostic laboratories have submitted clinical-significance assessments for this variant to ClinVar after 2014 without evidence for independent evaluation. All laboratories classified the variant as pathogenic. Based on the evidence outlined above, the variant was classified as pathogenic.

GeneDx
Classification: Pathogenic. Last evaluated: 2018-03-09. Review status: criteria provided, single submitter. Criteria: GeneDx Variant Classification (06012015). Collection method: clinical testing. Allele origin: germline. Affected: yes.
Comment: The c.26delA variant in the GLA gene has been reported previously in association with Fabry disease using alternate nomenclature (Eng et al., 1994). The deletion causes a frameshift starting with codon Histidine 9, changes this amino acid to a Leucine residue and creates a premature Stop codon at position 112 of the new reading frame, denoted p.His9LeufsX112. This variant is predicted to cause loss of normal protein function either through protein truncation or nonsense-mediated mRNA decay. The c.26delA variant is not observed in large population cohorts (Lek et al., 2016). In summary, we interpret this variant as pathogenic.

Labcorp Genetics (formerly Invitae), Labcorp
Classification: Pathogenic for Fabry disease. Last evaluated: 2018-01-13. Review status: criteria provided, single submitter. Criteria: Invitae Variant Classification Sherloc (09022015). Collection method: clinical testing. Allele origin: germline.
Comment: For these reasons, this variant has been classified as Pathogenic. Loss-of-function variants in GLA are known to be pathogenic (PMID: 10666480, 12175777). This variant is not present in population databases (ExAC no frequency). This sequence change creates a premature translational stop signal (p.His9Leufs*112) in the GLA gene. It is expected to result in an absent or disrupted protein product.

Literature cited by the submitters: PubMed 10916280 (cited by Genomenon, Inc and Labcorp Genetics (formerly Invitae), Labcorp); PubMed 16148726 (cited by Genomenon, Inc and Women's Health and Genetics/Laboratory Corporation of America, LabCorp); PubMed 17224688 (cited by Genomenon, Inc and Women's Health and Genetics/Laboratory Corporation of America, LabCorp); PubMed 26018987 (cited by Genomenon, Inc); PubMed 10649504 (cited by Women's Health and Genetics/Laboratory Corporation of America, LabCorp); PubMed 11179018 (cited by Women's Health and Genetics/Laboratory Corporation of America, LabCorp); PubMed 10666480 (cited by Labcorp Genetics (formerly Invitae), Labcorp); PubMed 12175777 (cited by Labcorp Genetics (formerly Invitae), Labcorp); PubMed 15712228 (cited by Labcorp Genetics (formerly Invitae), Labcorp).